The following is an entry in ClinVar:

ClinVar aggregate classification (germline): Uncertain significance (1 of 4 stars; one submission).

Submission:

Labcorp Genetics (formerly Invitae), Labcorp
Classification: Uncertain significance. Last evaluated: 2023-11-19. Review status: criteria provided, single submitter. Criteria: Invitae Variant Classification Sherloc (09022015). Collection method: clinical testing. Allele origin: germline.
Comment: This sequence change replaces glutamic acid, which is acidic and polar, with aspartic acid, which is acidic and polar, at codon 406 of the CARD8 protein (p.Glu406Asp). This variant is not present in population databases (gnomAD no frequency). This variant has not been reported in the literature in individuals affected with CARD8-related conditions. An algorithm developed to predict the effect of missense changes on protein structure and function (PolyPhen-2) suggests that this variant is likely to be disruptive. In summary, the available evidence is currently insufficient to determine the role of this variant in disease. Therefore, it has been classified as a Variant of Uncertain Significance.

NM_001184900.3(CARD8):c.1368G>C (p.Glu456Asp)

Gene: CARD8 (caspase recruitment domain family member 8; minus strand). Cytogenetic location: 19q13.33.
Variant type: single nucleotide variant.
Coding change: c.1368G>C on transcript NM_001184900.3 (MANE Select); coding-DNA position 1368, G replaced by C.
Protein change: p.Glu456Asp; replaces glutamic acid 456 with aspartic acid.
Molecular consequence: missense variant. On other transcripts: 3 prime UTR variant (7), non-coding transcript variant (3), intron variant (1).
Genome position (GRCh38, 1-based): chr19:48,211,956, C>G on the plus strand (G>C on the coding strand, the complement: CARD8 is on the minus strand). VCF-style: chr19-48211956-C-G. GRCh37 (hg19) VCF-style: chr19-48715213-C-G.
Other names: c.1218G>C, p.Glu406Asp (NM_001184901.1, NM_001351783.2, NM_014959.5); c.*47G>C (NM_001184902.2, NM_001184903.1, NM_001351788.2 and 4 more transcripts); c.1368G>C, p.Glu456Asp (NM_001351782.2); c.1053G>C, p.Glu351Asp (NM_001351784.2); c.1032G>C, p.Glu344Asp (NM_001351786.2); c.1050G>C, p.Glu350Asp (NM_001365950.1); c.543G>C, p.Glu181Asp (NM_001426741.1); c.1033+3384G>C (NM_001351787.2); short protein forms E350D, E181D, E351D, E406D, E344D, E456D.
Identifiers: ClinVar variation 2788418 (VCV002788418.3), dbSNP rs751317554, ClinGen allele CA406663437.
Genomic context (GRCh38, chr19:48,211,956, plus strand): 5'-TTGGAGATCATCGAGCACCCCTTTCAGGTCCCCCATCCTGGCTTGGAGTTGCCGGTGGTT[C>G]TCCTTCACAAAGGCTGCACCTGGATGAAAGGGGGAGTTTCAGACTTTGAGAATCGTTCAC-3'
Protein context (NP_001171829.1, residues 446-466): PPFSGAAFVK[Glu456Asp]NHRQLQARMG